The following is an entry in ClinVar:

ClinVar aggregate classification (germline): Uncertain significance. Review status: criteria provided, multiple submitters, no conflicts (2 of 4 stars). 2 submissions from 2 submitters: Uncertain significance (2). Last evaluated 2025-09-02.

Submissions (2):

Labcorp Genetics (formerly Invitae), Labcorp
Classification: Uncertain significance. Last evaluated: 2025-09-02. Review status: criteria provided, single submitter. Criteria: Invitae Variant Classification Sherloc (09022015). Collection method: clinical testing. Allele origin: germline.
Comment: This sequence change replaces valine, which is neutral and non-polar, with leucine, which is neutral and non-polar, at codon 1133 of the CACNA1F protein (p.Val1133Leu). This variant is not present in population databases (gnomAD no frequency). This variant has not been reported in the literature in individuals affected with CACNA1F-related conditions. ClinVar contains an entry for this variant (Variation ID: 1001597). Invitae Evidence Modeling of protein sequence and biophysical properties (such as structural, functional, and spatial information, amino acid conservation, physicochemical variation, residue mobility, and thermodynamic stability) indicates that this missense variant is expected to disrupt CACNA1F protein function with a positive predictive value of 80%. In summary, the available evidence is currently insufficient to determine the role of this variant in disease. Therefore, it has been classified as a Variant of Uncertain Significance.

Blueprint Genetics
Classification: Uncertain significance. Last evaluated: 2019-12-13. Review status: criteria provided, single submitter. Criteria: ACMG Guidelines, 2015. Collection method: clinical testing. Allele origin: germline.

NM_001256789.3(CACNA1F):c.3364G>T (p.Val1122Leu)

Gene: CACNA1F (calcium voltage-gated channel subunit alpha1 F; minus strand). Cytogenetic location: Xp11.23.
Variant type: single nucleotide variant.
Coding change: c.3364G>T on transcript NM_001256789.3 (MANE Select); coding-DNA position 3364, G replaced by T.
Protein change: p.Val1122Leu; replaces valine 1122 with leucine.
Molecular consequence: missense variant.
Genome position (GRCh38, 1-based): chrX:49,215,416, C>A on the plus strand (G>T on the coding strand, the complement: CACNA1F is on the minus strand). VCF-style: chrX-49215416-C-A. GRCh37 (hg19) VCF-style: chrX-49071876-C-A.
Other names: c.3202G>T, p.Val1068Leu (NM_001256790.3); c.3397G>T, p.Val1133Leu (NM_005183.4); short protein forms V1068L, V1122L, V1133L.
Identifiers: ClinVar variation 1001597 (VCV001001597.9), dbSNP rs1406617421, ClinGen allele CA412963543.